The following is an entry in ClinVar:

ClinVar aggregate classification (germline): Uncertain significance (1 of 4 stars; one submission).

Conditions:
Baller-Gerold syndrome (BGS). Also called: CRANIOSYNOSTOSIS WITH RADIAL DEFECTS. Identifiers: Orphanet 1225, MedGen C0265308, MONDO:0009039, OMIM 218600.

Submission:

Labcorp Genetics (formerly Invitae), Labcorp
Classification: Uncertain significance for Baller-Gerold syndrome. Last evaluated: 2023-06-15. Review status: criteria provided, single submitter. Criteria: Invitae Variant Classification Sherloc (09022015). Collection method: clinical testing. Allele origin: germline.
Comment: In summary, the available evidence is currently insufficient to determine the role of this variant in disease. Therefore, it has been classified as a Variant of Uncertain Significance. Algorithms developed to predict the effect of missense changes on protein structure and function output the following: SIFT: "Not Available"; PolyPhen-2: "Not Available"; Align-GVGD: "Not Available". The glutamine amino acid residue is found in multiple mammalian species, which suggests that this missense change does not adversely affect protein function. This variant has not been reported in the literature in individuals affected with RECQL4-related conditions. This variant is not present in population databases (gnomAD no frequency). This sequence change replaces glutamic acid, which is acidic and polar, with glutamine, which is neutral and polar, at codon 238 of the RECQL4 protein (p.Glu238Gln).

NM_004260.4(RECQL4):c.712G>C (p.Glu238Gln)

Gene: RECQL4 (RecQ like helicase 4; minus strand). Cytogenetic location: 8q24.3.
Variant type: single nucleotide variant.
Coding change: c.712G>C on transcript NM_004260.4 (MANE Select); coding-DNA position 712, G replaced by C.
Protein change: p.Glu238Gln; replaces glutamic acid 238 with glutamine.
Molecular consequence: missense variant. On other transcripts: 5 prime UTR variant (17), non-coding transcript variant (3).
Genome position (GRCh38, 1-based): chr8:144,516,407, C>G on the plus strand (G>C on the coding strand, the complement: RECQL4 is on the minus strand). VCF-style: chr8-144516407-C-G. GRCh37 (hg19) VCF-style: chr8-145741791-C-G.
Other names: c.712G>C, p.Glu238Gln (NM_001413017.1, NM_001413018.1, NM_001413019.1 and 4 more transcripts); c.-360G>C (NM_001413021.1, NM_001413022.1, NM_001413023.1 and 7 more transcripts); c.583G>C, p.Glu195Gln (NM_001413025.1); c.-422G>C (NM_001413027.1, NM_001413030.1, NM_001413031.1 and 2 more transcripts); c.361G>C, p.Glu121Gln (NM_001413029.1); c.-264G>C (NM_001413034.1); c.-629G>C (NM_001413043.1); short protein forms E195Q, E121Q, E238Q.
Identifiers: ClinVar variation 2978760 (VCV002978760.3), dbSNP rs587778651, ClinGen allele CA372689567.